The following is an entry in ClinVar:

ClinVar aggregate classification (germline): Uncertain significance (1 of 4 stars; one submission).

Allele frequency attached by ClinVar (database versions not stated): gnomAD exomes below 0.00001.
gnomAD v4.1: 1 of 1,578,940 alleles (0.000063%); highest among the groups gnomAD compares: Non-Finnish European, 0.000086%; no homozygotes.

Submission:

Labcorp Genetics (formerly Invitae), Labcorp
Classification: Uncertain significance. Last evaluated: 2024-07-27. Review status: criteria provided, single submitter. Criteria: Invitae Variant Classification Sherloc (09022015). Collection method: clinical testing. Allele origin: germline.
Comment: This sequence change replaces leucine, which is neutral and non-polar, with proline, which is neutral and non-polar, at codon 578 of the CTNNA1 protein (p.Leu578Pro). This variant is not present in population databases (gnomAD no frequency). This variant has not been reported in the literature in individuals affected with CTNNA1-related conditions. ClinVar contains an entry for this variant (Variation ID: 840949). Advanced modeling of protein sequence and biophysical properties (such as structural, functional, and spatial information, amino acid conservation, physicochemical variation, residue mobility, and thermodynamic stability) performed at Invitae indicates that this missense variant is not expected to disrupt CTNNA1 protein function with a negative predictive value of 80%. In summary, the available evidence is currently insufficient to determine the role of this variant in disease. Therefore, it has been classified as a Variant of Uncertain Significance.

NM_001903.5(CTNNA1):c.1733T>C (p.Leu578Pro)

Gene: CTNNA1 (catenin alpha 1; plus strand). Cytogenetic location: 5q31.2.
Variant type: single nucleotide variant.
Coding change: c.1733T>C on transcript NM_001903.5 (MANE Select); coding-DNA position 1733, T replaced by C.
Protein change: p.Leu578Pro; replaces leucine 578 with proline.
Molecular consequence: missense variant.
Genome position (GRCh38, 1-based): chr5:138,924,696, T>C. VCF-style: chr5-138924696-T-C. GRCh37 (hg19) VCF-style: chr5-138260385-T-C.
Other names: c.1733T>C, p.Leu578Pro (NM_001290307.3, NM_001323982.2, NM_001323983.1 and 2 more transcripts); c.1424T>C, p.Leu475Pro (NM_001290309.3); c.1364T>C, p.Leu455Pro (NM_001290310.3); c.623T>C, p.Leu208Pro (NM_001290312.1, NM_001323987.1, NM_001323988.1 and 17 more transcripts); c.1640T>C, p.Leu547Pro (NM_001323986.2); c.284T>C, p.Leu95Pro (NM_001324006.1, NM_001324007.1, NM_001324008.1 and 2 more transcripts); c.530T>C, p.Leu177Pro (NM_001324011.1); c.380T>C, p.Leu127Pro (NM_001324012.1, NM_001324013.1); short protein forms L177P, L127P, L208P, L475P, L578P, L455P, L547P, L95P.
Identifiers: ClinVar variation 840949 (VCV000840949.10), dbSNP rs1763630609, ClinGen allele CA361132077.